The following is an entry in ClinVar:

ClinVar aggregate classification (germline): Uncertain significance (1 of 4 stars; one submission).

Conditions:
Emery-Dreifuss muscular dystrophy 4, autosomal dominant (EDMD4). Also called: EMERY-DREIFUSS MUSCULAR DYSTROPHY 4 WITH VARIABLE FEATURES. Identifiers: Orphanet 261, MedGen C2751807, MONDO:0013071, OMIM 612998.
Autosomal recessive ataxia, Beauce type. Also called: Spinocerebellar ataxia, autosomal recessive 8; ATAXIA, RECESSIVE, OF BEAUCE; SYNE1-Related Autosomal Recessive Cerebellar Ataxia; SYNE1 Deficiency. Identifiers: Orphanet 88644, MedGen C1853116, MONDO:0012549, OMIM 610743.

Allele frequency attached by ClinVar (database versions not stated): gnomAD exomes below 0.00001.
gnomAD v4.1: 1 of 1,614,210 alleles (0.000062%); highest among the groups gnomAD compares: Non-Finnish European, 0.000085%; no homozygotes.

Submission:

Labcorp Genetics (formerly Invitae), Labcorp
Classification: Uncertain significance for Emery-Dreifuss muscular dystrophy 4, autosomal dominant; Autosomal recessive ataxia, Beauce type. Last evaluated: 2023-02-21. Review status: criteria provided, single submitter. Criteria: Invitae Variant Classification Sherloc (09022015). Collection method: clinical testing. Allele origin: germline.
Comment: This sequence change replaces threonine, which is neutral and polar, with proline, which is neutral and non-polar, at codon 3109 of the SYNE1 protein (p.Thr3109Pro). In summary, the available evidence is currently insufficient to determine the role of this variant in disease. Therefore, it has been classified as a Variant of Uncertain Significance. An algorithm developed to predict the effect of missense changes on protein structure and function (PolyPhen-2) suggests that this variant is likely to be tolerated. This variant has not been reported in the literature in individuals affected with SYNE1-related conditions. This variant is not present in population databases (gnomAD no frequency).

NM_182961.4(SYNE1):c.9304A>C (p.Thr3102Pro)

Gene: SYNE1 (spectrin repeat containing nuclear envelope protein 1; minus strand). Cytogenetic location: 6q25.2.
Variant type: single nucleotide variant.
Coding change: c.9304A>C on transcript NM_182961.4 (MANE Select); coding-DNA position 9304, A replaced by C.
Protein change: p.Thr3102Pro; replaces threonine 3102 with proline.
Molecular consequence: missense variant.
Genome position (GRCh38, 1-based): chr6:152,376,401, T>G on the plus strand (A>C on the coding strand, the complement: SYNE1 is on the minus strand). VCF-style: chr6-152376401-T-G. GRCh37 (hg19) VCF-style: chr6-152697536-T-G.
Other names: c.9325A>C, p.Thr3109Pro (NM_033071.5); short protein forms T3102P, T3109P.
Identifiers: ClinVar variation 2942945 (VCV002942945.3), dbSNP rs1218329592, ClinGen allele CA366140896.